The following is an entry in ClinVar:

Conditions:
Breast-ovarian cancer, familial, susceptibility to, 1 (BROVCA1). Also called: BRCA1 Hereditary Breast and Ovarian Cancer; OVARIAN CANCER, SUSCEPTIBILITY TO. Identifiers: Orphanet 145, MedGen C2676676, MONDO:0011450, OMIM 604370. Disease mechanism: loss of function.

Submission:

Brotman Baty Institute, University of Washington
No classification provided (evidence only). Condition: Breast-ovarian cancer, familial 1. Review status: no classification provided. Collection method: in vitro. Allele origin: not applicable. Functional consequence: functionally_normal.
ClinVar note: "not provided" was previously submitted as the classification for the variant. However, the classification appeared to be based only on an observation of functional data so it was converted to no classification on 2025-07-30.

NM_007294.4(BRCA1):c.5467+6G>A

Gene: BRCA1 (BRCA1 DNA repair associated; minus strand). Cytogenetic location: 17q21.31.
Variant type: single nucleotide variant.
Coding change: c.5467+6G>A on transcript NM_007294.4 (MANE Select); 6 bases into the intron after coding-DNA position 5467, G replaced by A.
Molecular consequence: intron variant.
Genome position (GRCh38, 1-based): chr17:43,047,637, C>T on the plus strand (G>A on the coding strand, the complement: BRCA1 is on the minus strand). VCF-style: chr17-43047637-C-T. GRCh37 (hg19) VCF-style: chr17-41199654-C-T.
Other names: c.5200+6G>A (NM_001407930.1, NM_001407933.1, NM_001407927.1 and 4 more transcripts); c.5320+6G>A (NM_001407843.1, NM_001407847.1, NM_001407841.1 and 12 more transcripts); c.2017+6G>A (NM_001408456.1, NM_001408453.1, NM_001408455.1 and 3 more transcripts); c.5323+6G>A (NM_001407733.1, NM_001407751.1, NM_001407740.1 and 18 more transcripts); c.5252+6G>A (NM_001407942.1); c.5326+6G>A (NM_001407694.1, NM_001407696.1, NM_001407725.1 and 12 more transcripts); c.2014+6G>A (NM_001408465.1, NM_001408463.1, NM_001408462.1 and 7 more transcripts); c.1945+6G>A (NM_001408482.1, NM_001408484.1, NM_001408485.1 and 5 more transcripts); and 83 more.
Identifiers: ClinVar variation 867537 (VCV000867537.3), dbSNP rs2050974173, ClinGen allele CA916080765.
Genomic context (GRCh38, chr17:43,047,637, plus strand): 5'-AATGAGTGATAAACCAAACCCATGCAAAAGGACCCCATATAGCACAGGTACATGCAGGCA[C>T]CTTACCATGGAAGCCATTGTCCTCTGTCCAGGCATCTGGCTGCACAACCACAATTGGGTG-3'